The following is an entry in ClinVar:

ClinVar aggregate classification (germline): Uncertain significance. Review status: criteria provided, multiple submitters, no conflicts (2 of 4 stars). 4 submissions from 4 submitters: Uncertain significance (4). Last evaluated 2023-02-21.

Conditions:
Microcephaly, normal intelligence and immunodeficiency (NBS). Also called: BERLIN BREAKAGE SYNDROME; SEEMANOVA SYNDROME II; Ataxia telangiectasia variant V1; IMMUNODEFICIENCY, MICROCEPHALY, AND CHROMOSOMAL INSTABILITY; Immunodeficiency, microcephaly with normal intelligence; Nijmegen breakage syndrome. Identifiers: Orphanet 647, MedGen C0398791, MONDO:0009623, OMIM 251260.
Hereditary cancer-predisposing syndrome. Also called: Hereditary neoplastic syndrome; Tumor predisposition; Hereditary Cancer Syndrome; Neoplastic Syndromes, Hereditary. Identifiers: Orphanet 140162, MedGen C0027672, MeSH D009386, MONDO:0015356.
Aplastic anemia. Identifiers: Orphanet 182040, Orphanet 88, MedGen C0002874, MONDO:0015909, OMIM 609135, HP:0001915.

Allele frequency attached by ClinVar (database versions not stated): TOPMed below 0.00001.

Submissions (4):

Ambry Genetics
Classification: Uncertain significance for Hereditary cancer-predisposing syndrome. Last evaluated: 2023-02-21. Review status: criteria provided, single submitter. Criteria: Ambry Variant Classification Scheme 2023. Collection method: clinical testing. Allele origin: germline.
Comment: The p.I63N variant (also known as c.188T>A), located in coding exon 3 of the NBN gene, results from a T to A substitution at nucleotide position 188. The isoleucine at codon 63 is replaced by asparagine, an amino acid with dissimilar properties. This alteration has been reported with a carrier frequency of 0 in 53 unselected male breast cancer patients and 0.0001 in 12490 male controls of Japanese ancestry; it was not observed in 7051 unselected female breast cancer patients or in 11241 female controls of Japanese ancestry (Momozawa Y et al. Nat Commun. 2018 10;9:4083). This amino acid position is well conserved in available vertebrate species. In addition, this alteration is predicted to be tolerated by in silico analysis. Since supporting evidence is limited at this time, the clinical significance of this alteration remains unclear.

Baylor Genetics
Classification: Uncertain significance for Aplastic anemia. Last evaluated: 2022-09-15. Review status: criteria provided, single submitter. Criteria: ACMG Guidelines, 2015. Collection method: clinical testing. Allele origin: unknown.

Genome-Nilou Lab
Classification: Uncertain significance for Microcephaly, normal intelligence and immunodeficiency. Last evaluated: 2021-11-07. Review status: criteria provided, single submitter. Criteria: ACMG Guidelines, 2015. Collection method: clinical testing. Allele origin: germline. Affected: no.

Labcorp Genetics (formerly Invitae), Labcorp
Classification: Uncertain significance for Microcephaly, normal intelligence and immunodeficiency. Last evaluated: 2021-03-07. Review status: criteria provided, single submitter. Criteria: Invitae Variant Classification Sherloc (09022015). Collection method: clinical testing. Allele origin: germline.
Comment: This variant has not been reported in the literature in individuals with NBN-related conditions. ClinVar contains an entry for this variant (Variation ID: 575741). In summary, the available evidence is currently insufficient to determine the role of this variant in disease. Therefore, it has been classified as a Variant of Uncertain Significance. Algorithms developed to predict the effect of missense changes on protein structure and function are either unavailable or do not agree on the potential impact of this missense change (SIFT: "Tolerated"; PolyPhen-2: "Possibly Damaging"; Align-GVGD: "Class C0"). This variant is not present in population databases (ExAC no frequency). This sequence change replaces isoleucine with asparagine at codon 63 of the NBN protein (p.Ile63Asn). The isoleucine residue is weakly conserved and there is a large physicochemical difference between isoleucine and asparagine.

Literature cited by the submitters: PubMed 30287823 (cited by Ambry Genetics); PubMed 31214711 (cited by Ambry Genetics).

NM_002485.5(NBN):c.188T>A (p.Ile63Asn)

Gene: NBN (nibrin; minus strand). Cytogenetic location: 8q21.3.
Variant type: single nucleotide variant.
Coding change: c.188T>A on transcript NM_002485.5 (MANE Select); coding-DNA position 188, T replaced by A.
Protein change: p.Ile63Asn; replaces isoleucine 63 with asparagine.
Molecular consequence: missense variant. On other transcripts: 5 prime UTR variant (1).
Genome position (GRCh38, 1-based): chr8:89,981,507, A>T on the plus strand (T>A on the coding strand, the complement: NBN is on the minus strand). VCF-style: chr8-89981507-A-T. GRCh37 (hg19) VCF-style: chr8-90993735-A-T.
Other names: c.-59T>A (NM_001024688.3); short protein forms I63N.
Identifiers: ClinVar variation 575741 (VCV000575741.20), dbSNP rs961554359, ClinGen allele CA181280638.